The following is an entry in ClinVar:

ClinVar aggregate classification (germline): Likely pathogenic (1 of 4 stars; one submission).

Submission:

Labcorp Genetics (formerly Invitae), Labcorp
Classification: Likely pathogenic. Last evaluated: 2025-06-18. Review status: criteria provided, single submitter. Criteria: Invitae Variant Classification Sherloc (09022015). Collection method: clinical testing. Allele origin: germline.
Comment: This sequence change replaces threonine, which is neutral and polar, with alanine, which is neutral and non-polar, at codon 417 of the ABCA4 protein (p.Thr417Ala). This variant is not present in population databases (gnomAD no frequency). This missense change has been observed in individual(s) with Stargardt Disease (PMID: 31212395). Invitae Evidence Modeling of protein sequence and biophysical properties (such as structural, functional, and spatial information, amino acid conservation, physicochemical variation, residue mobility, and thermodynamic stability) indicates that this missense variant is expected to disrupt ABCA4 protein function with a positive predictive value of 95%. In summary, the currently available evidence indicates that the variant is pathogenic, but additional data are needed to prove that conclusively. Therefore, this variant has been classified as Likely Pathogenic.

Literature cited by the submitters: PubMed 31212395.

NM_000350.3(ABCA4):c.1249A>G (p.Thr417Ala)

Gene: ABCA4 (ATP binding cassette subfamily A member 4; minus strand). Cytogenetic location: 1p22.1.
Variant type: single nucleotide variant.
Coding change: c.1249A>G on transcript NM_000350.3 (MANE Select); coding-DNA position 1249, A replaced by G.
Protein change: p.Thr417Ala; replaces threonine 417 with alanine.
Molecular consequence: missense variant.
Genome position (GRCh38, 1-based): chr1:94,078,697, T>C on the plus strand (A>G on the coding strand, the complement: ABCA4 is on the minus strand). VCF-style: chr1-94078697-T-C. GRCh37 (hg19) VCF-style: chr1-94544253-T-C.
Other names: c.1249A>G, p.Thr417Ala (NM_001425324.1); short protein forms T417A.
Identifiers: ClinVar variation 4750106 (VCV004750106.1).